The following is an entry in ClinVar:

ClinVar aggregate classification (germline): Pathogenic (1 of 4 stars; one submission).

Submission:

Labcorp Genetics (formerly Invitae), Labcorp
Classification: Pathogenic. Last evaluated: 2022-08-20. Review status: criteria provided, single submitter. Criteria: Invitae Variant Classification Sherloc (09022015). Collection method: clinical testing. Allele origin: germline.
Comment: Variants that disrupt the consensus splice site are a relatively common cause of aberrant splicing (PMID: 17576681, 9536098). Algorithms developed to predict the effect of sequence changes on RNA splicing suggest that this variant may disrupt the consensus splice site. This variant disrupts the triple helix domain of COL4A5. Glycine residues within the Gly-Xaa-Yaa repeats of the triple helix domain are required for the structure and stability of fibrillar collagens (PMID: 7695699, 8218237, 19344236). In COL4A5, missense variants at these glycine residues are significantly enriched in individuals with disease (PMID: 23720012, 27627812) compared to the general population (ExAC). For these reasons, this variant has been classified as Pathogenic. Algorithms developed to predict the effect of missense changes on protein structure and function are either unavailable or do not agree on the potential impact of this missense change (SIFT: "Deleterious"; PolyPhen-2: "Probably Damaging"; Align-GVGD: "Class C0"). This sequence change replaces glycine, which is neutral and non-polar, with serine, which is neutral and polar, at codon 1333 of the COL4A5 protein (p.Gly1333Ser). This variant also falls at the last nucleotide of exon 43, which is part of the consensus splice site for this exon. This variant is not present in population databases (gnomAD no frequency). This missense change has been observed in individual(s) with clinical features of COL4A5-related conditions (PMID: 10094548).

Literature cited by the submitters: PubMed 17576681; PubMed 9536098; PubMed 7695699; PubMed 8218237; PubMed 19344236; PubMed 23720012; PubMed 27627812; PubMed 10094548.

NM_033380.3(COL4A5):c.4015G>A (p.Gly1339Ser)

Gene: COL4A5 (collagen type IV alpha 5 chain; plus strand). Cytogenetic location: Xq22.3.
Variant type: single nucleotide variant.
Coding change: c.4015G>A on transcript NM_033380.3 (MANE Select); coding-DNA position 4015, G replaced by A.
Protein change: p.Gly1339Ser; replaces glycine 1339 with serine.
Molecular consequence: missense variant.
Genome position (GRCh38, 1-based): chrX:108,680,751, G>A. VCF-style: chrX-108680751-G-A. GRCh37 (hg19) VCF-style: chrX-107923981-G-A.
Other names: c.3997G>A, p.Gly1333Ser (NM_000495.5); short protein forms G1333S, G1339S.
Identifiers: ClinVar variation 2138709 (VCV002138709.4), dbSNP rs104886266, ClinGen allele CA258974.